The following is an entry in ClinVar:

NM_024675.4(PALB2):c.108+8A>G

Gene: PALB2 (partner and localizer of BRCA2; minus strand). Cytogenetic location: 16p12.2.
Variant type: single nucleotide variant.
Coding change: c.108+8A>G on transcript NM_024675.4 (MANE Select); 8 bases into the intron after coding-DNA position 108, A replaced by G.
Molecular consequence: intron variant.
Genome position (GRCh38, 1-based): chr16:23,638,062, T>C on the plus strand (A>G on the coding strand, the complement: PALB2 is on the minus strand). VCF-style: chr16-23638062-T-C. GRCh37 (hg19) VCF-style: chr16-23649383-T-C.
Identifiers: ClinVar variation 530260 (VCV000530260.10), dbSNP rs1419065219, ClinGen allele CA658798570.

ClinVar aggregate classification (germline): Likely benign. Review status: criteria provided, multiple submitters, no conflicts (2 of 4 stars). 2 submissions from 2 submitters: Likely benign (2). Last evaluated 2025-01-09.

Conditions:
Familial cancer of breast. Also called: BREAST CANCER, FAMILIAL; Hereditary breast cancer; hereditary breast carcinoma. Identifiers: Orphanet 227535, MedGen C0346153, MONDO:0016419, OMIM 114480. Disease mechanism: loss of function.

Allele frequency attached by ClinVar (database versions not stated): TOPMed below 0.00001; gnomAD 0.00001.

Submissions (2):

Myriad Genetics, Inc.
Classification: Likely benign for Familial cancer of breast. Last evaluated: 2025-01-09. Review status: criteria provided, single submitter. Criteria: Myriad Autosomal Dominant, Autosomal Recessive and X-Linked Classification Criteria (2023). Collection method: clinical testing. Allele origin: unknown.
Comment: This variant is considered likely benign. This variant is intronic and is not expected to impact mRNA splicing.

Labcorp Genetics (formerly Invitae), Labcorp
Classification: Likely benign for Familial cancer of breast. Last evaluated: 2024-04-03. Review status: criteria provided, single submitter. Criteria: Invitae Variant Classification Sherloc (09022015). Collection method: clinical testing. Allele origin: germline.